The following is an entry in ClinVar:

ClinVar aggregate classification (germline): Uncertain significance (1 of 4 stars; one submission).

Allele frequency attached by ClinVar (database versions not stated): gnomAD exomes below 0.00001; ExAC 0.00002; gnomAD 0.00006; TOPMed 0.00006; ESP Exome Variant Server 0.00008.
gnomAD v4.1: 11 of 1,596,286 alleles (0.00069%); highest among the groups gnomAD compares: African/African-American, 0.015%; no homozygotes.

Submission:

Labcorp Genetics (formerly Invitae), Labcorp
Classification: Uncertain significance. Last evaluated: 2025-12-13. Review status: criteria provided, single submitter. Criteria: Invitae Variant Classification Sherloc (09022015). Collection method: clinical testing. Allele origin: germline.
Comment: This sequence change replaces alanine, which is neutral and non-polar, with valine, which is neutral and non-polar, at codon 21 of the MICAL1 protein (p.Ala21Val). The frequency data for this variant in the population databases is considered unreliable, as metrics indicate poor data quality at this position in the gnomAD database. This variant has not been reported in the literature in individuals affected with MICAL1-related conditions. ClinVar contains an entry for this variant (Variation ID: 1918325). An algorithm developed to predict the effect of missense changes on protein structure and function (PolyPhen-2) suggests that this variant is likely to be tolerated. In summary, the available evidence is currently insufficient to determine the role of this variant in disease. Therefore, it has been classified as a Variant of Uncertain Significance.

NM_022765.4(MICAL1):c.5C>T (p.Ala2Val)

Gene: MICAL1 (microtubule associated monooxygenase, calponin and LIM domain containing 1; minus strand). Cytogenetic location: 6q21.
Variant type: single nucleotide variant.
Coding change: c.5C>T on transcript NM_022765.4 (MANE Select); coding-DNA position 5, C replaced by T.
Protein change: p.Ala2Val; replaces alanine 2 with valine.
Molecular consequence: missense variant.
Genome position (GRCh38, 1-based): chr6:109,454,192, G>A on the plus strand (C>T on the coding strand, the complement: MICAL1 is on the minus strand). VCF-style: chr6-109454192-G-A. GRCh37 (hg19) VCF-style: chr6-109775395-G-A.
Other names: c.5C>T, p.Ala2Val (NM_001159291.2); c.62C>T, p.Ala21Val (NM_001286613.2); short protein forms A21V, A2V.
Identifiers: ClinVar variation 1918325 (VCV001918325.5), dbSNP rs375065423, ClinGen allele CA3953913.